The following is an entry in ClinVar:

NM_000059.4(BRCA2):c.2369A>T (p.Glu790Val)

Gene: BRCA2 (BRCA2 DNA repair associated; plus strand). Cytogenetic location: 13q13.1.
Variant type: single nucleotide variant.
Coding change: c.2369A>T on transcript NM_000059.4 (MANE Select); coding-DNA position 2369, A replaced by T.
Protein change: p.Glu790Val; replaces glutamic acid 790 with valine.
Molecular consequence: missense variant.
Genome position (GRCh38, 1-based): chr13:32,336,724, A>T. VCF-style: chr13-32336724-A-T. GRCh37 (hg19) VCF-style: chr13-32910861-A-T.
Other names: short protein forms E790V.
Identifiers: ClinVar variation 489749 (VCV000489749.6), dbSNP rs1555282644, ClinGen allele CA387771755.

ClinVar aggregate classification (germline): Conflicting classifications of pathogenicity. Review status: criteria provided, conflicting classifications (1 of 4 stars). 2 submissions from 2 submitters: Uncertain significance (1); Likely benign (1). Last evaluated 2023-03-23.

Conditions:
Hereditary cancer-predisposing syndrome. Also called: Hereditary Cancer Syndrome; Neoplastic Syndromes, Hereditary; Tumor predisposition; Hereditary neoplastic syndrome. Identifiers: Orphanet 140162, MedGen C0027672, MeSH D009386, MONDO:0015356.

Submissions (2):

University of Washington Department of Laboratory Medicine, University of Washington
Classification: Likely benign for Hereditary cancer-predisposing syndrome. Last evaluated: 2023-03-23. Review status: criteria provided, single submitter. Criteria: Dines et al. (Genet Med. 2020). Collection method: curation. Allele origin: germline.
Comment: Missense variant in a coldspot region where missense variants are very unlikely to be pathogenic (PMID:31911673).

BRCA2 exon 11 coldspot. Reclassification based on statistical prior probability.

Color Diagnostics, LLC DBA Color Health
Classification: Uncertain significance for Hereditary cancer-predisposing syndrome. Last evaluated: 2019-06-22. Review status: criteria provided, single submitter. Criteria: ACMG Guidelines, 2015. Collection method: clinical testing. Allele origin: germline.